The following is an entry in ClinVar:

ClinVar aggregate classification (germline): Pathogenic. Review status: reviewed by expert panel (3 of 4 stars). 6 submissions from 6 submitters: Pathogenic (1). 5 of the submissions do not count toward it. Last evaluated 2016-09-08.

Conditions:
Hereditary cancer-predisposing syndrome. Also called: Hereditary neoplastic syndrome; Neoplastic Syndromes, Hereditary; Hereditary Cancer Syndrome; Tumor predisposition. Identifiers: Orphanet 140162, MedGen C0027672, MeSH D009386, MONDO:0015356.
Hereditary breast ovarian cancer syndrome. Also called: Hereditary breast and ovarian cancer syndrome (HBOC); Breast and ovarian cancer; Hereditary breast and ovarian cancer syndrome; BRCA1- and BRCA2-Associated Hereditary Breast and Ovarian Cancer; Hereditary breast and/or ovarian cancer syndrome; Hereditary breast and ovarian cancer. Identifiers: Orphanet 145, MedGen C0677776, MeSH D061325, MONDO:0003582. Disease mechanism: loss of function.
Breast-ovarian cancer, familial, susceptibility to, 2 (BROVCA2). Also called: BRCA2 Hereditary Breast and Ovarian Cancer. Identifiers: Orphanet 145, MedGen C2675520, MONDO:0012933, OMIM 612555. Disease mechanism: loss of function.

Submissions (6):

Evidence-based Network for the Interpretation of Germline Mutant Alleles (ENIGMA)
Classification: Pathogenic for Breast-ovarian cancer, familial, susceptibility to, 2. Last evaluated: 2016-09-08. Review status: reviewed by expert panel. Criteria: ENIGMA BRCA1/2 Classification Criteria (2015). Collection method: curation. Allele origin: germline.
Comment: Variant allele predicted to encode a truncated non-functional protein.

Women's Health and Genetics/Laboratory Corporation of America, LabCorp
Classification: Pathogenic for Hereditary breast ovarian cancer syndrome. Last evaluated: 2026-03-06. Review status: criteria provided, single submitter. Criteria: LabCorp Variant Classification Summary - May 2015. Collection method: clinical testing. Allele origin: germline. Not counted in ClinVar's aggregate classification.
Comment: Variant summary: BRCA2 c.7543delA (p.Thr2515HisfsX9) results in a premature termination codon, predicted to cause a truncation of the encoded protein or absence of the protein due to nonsense mediated decay, which are commonly known mechanisms for disease. The variant was absent in 251316 control chromosomes. c.7543delA has been observed in multiple individuals affected with breast cancer (e.g. Nassar_2022). These data indicate that the variant is very likely to be associated with disease. To our knowledge, no experimental evidence demonstrating an impact on protein function has been reported. The following publication has been ascertained in the context of this evaluation (PMID: 36672847). ClinVar contains an entry for this variant (Variation ID: 52351). Based on the evidence outlined above, the variant was classified as pathogenic.

Ambry Genetics
Classification: Pathogenic for Hereditary cancer-predisposing syndrome. Last evaluated: 2025-04-17. Review status: criteria provided, single submitter. Criteria: Ambry Variant Classification Scheme 2023. Collection method: clinical testing. Allele origin: germline. Not counted in ClinVar's aggregate classification.
Comment: The c.7543delA pathogenic mutation, located in coding exon 14 of the BRCA2 gene, results from a deletion of one nucleotide at nucleotide position 7543, causing a translational frameshift with a predicted alternate stop codon (p.T2515Hfs*9). This alteration was identified in a large, worldwide study of BRCA1/2 mutation positive families (Rebbeck TR et al. Hum Mutat, 2018 05;39:593-620). This variant is considered to be rare based on population cohorts in the Genome Aggregation Database (gnomAD). This alteration is expected to result in loss of function by premature protein truncation or nonsense-mediated mRNA decay. As such, this alteration is interpreted as a disease-causing mutation.

Institute of Medical Genetics and Applied Genomics, University Hospital Tübingen
Classification: Pathogenic. Last evaluated: 2020-10-23. Review status: criteria provided, single submitter. Criteria: ACMG Guidelines, 2015. Collection method: clinical testing. Allele origin: germline. Inheritance: Unknown mechanism. Affected: yes. Not counted in ClinVar's aggregate classification.

Consortium of Investigators of Modifiers of BRCA1/2 (CIMBA), c/o University of Cambridge
Classification: Pathogenic for Breast-ovarian cancer, familial, susceptibility to, 2. Last evaluated: 2015-10-02. Review status: criteria provided, single submitter. Criteria: CIMBA Mutation Classification guidelines May 2016. Collection method: clinical testing. Allele origin: germline. Not counted in ClinVar's aggregate classification.

Breast Cancer Information Core (BIC) (BRCA2)
Classification: Pathogenic for Breast-ovarian cancer, familial 2. Last evaluated: 2002-05-29. Review status: no assertion criteria provided. Collection method: clinical testing. Allele origin: germline. Affected: yes. Observed: 1 variant allele. Not counted in ClinVar's aggregate classification.

Literature cited by the submitters: PubMed 36672847 (cited by Women's Health and Genetics/Laboratory Corporation of America, LabCorp); PubMed 29446198 (cited by Ambry Genetics).

NM_000059.4(BRCA2):c.7543del (p.Thr2515fs)

Gene: BRCA2 (BRCA2 DNA repair associated; plus strand). Cytogenetic location: 13q13.1.
Variant type: Deletion.
Coding change: c.7543del on transcript NM_000059.4 (MANE Select); coding-DNA position 7543, one base deleted (A; older notation c.7543delA).
Protein change: p.Thr2515fs; shifts the reading frame from threonine 2515.
Molecular consequence: frameshift variant.
Genome position (GRCh38, 1-based): chr13:32,356,535, A deleted; the last of 5 consecutive A bases (chr13:32,356,531-32,356,535); deleting any one gives the same sequence. VCF-style (leftmost placement, unchanged base first): chr13-32356530-CA-C. GRCh37 (hg19) VCF-style: chr13-32930667-CA-C.
Other names: 7771delA; c.7543delA (NM_000059.3, NM_000059.4).
Identifiers: ClinVar variation 52351 (VCV000052351.9), dbSNP rs80359657, ClinGen allele CA025139.